The following is an entry in ClinVar:

NM_020693.4(DSCAML1):c.5438G>A (p.Arg1813Gln)

Gene: DSCAML1 (DS cell adhesion molecule like 1; minus strand). Cytogenetic location: 11q23.3.
Variant type: single nucleotide variant.
Coding change: c.5438G>A on transcript NM_020693.4 (MANE Select); coding-DNA position 5438, G replaced by A.
Protein change: p.Arg1813Gln; replaces arginine 1813 with glutamine.
Molecular consequence: missense variant.
Genome position (GRCh38, 1-based): chr11:117,430,970, C>T on the plus strand (G>A on the coding strand, the complement: DSCAML1 is on the minus strand). VCF-style: chr11-117430970-C-T. GRCh37 (hg19) VCF-style: chr11-117301686-C-T.
Other names: short protein forms R1813Q.
Identifiers: ClinVar variation 3085900 (VCV003085900.3), dbSNP rs775640776, ClinGen allele CA6296059.

ClinVar aggregate classification (germline): Uncertain significance. Review status: criteria provided, multiple submitters, no conflicts (2 of 4 stars). 2 submissions from 2 submitters: Uncertain significance (2). Last evaluated 2024-05-31.

Allele frequency attached by ClinVar (database versions not stated): gnomAD exomes 0.00001; ExAC 0.00002.

Submissions (2):

Labcorp Genetics (formerly Invitae), Labcorp
Classification: Uncertain significance. Last evaluated: 2024-05-31. Review status: criteria provided, single submitter. Criteria: Invitae Variant Classification Sherloc (09022015). Collection method: clinical testing. Allele origin: germline.
Comment: This sequence change replaces arginine, which is basic and polar, with glutamine, which is neutral and polar, at codon 1873 of the DSCAML1 protein (p.Arg1873Gln). This variant is present in population databases (rs775640776, gnomAD 0.006%). This variant has not been reported in the literature in individuals affected with DSCAML1-related conditions. An algorithm developed to predict the effect of missense changes on protein structure and function (PolyPhen-2) suggests that this variant is likely to be disruptive. In summary, the available evidence is currently insufficient to determine the role of this variant in disease. Therefore, it has been classified as a Variant of Uncertain Significance.

Ambry Genetics
Classification: Uncertain significance. Last evaluated: 2024-03-07. Review status: criteria provided, single submitter. Criteria: Ambry Variant Classification Scheme 2023. Collection method: clinical testing. Allele origin: germline.